The following is an entry in ClinVar:

NM_000219.6(KCNE1):c.198C>A (p.Ile66=)

Gene: KCNE1 (potassium voltage-gated channel subfamily E regulatory subunit 1; minus strand). Cytogenetic location: 21q22.12.
Variant type: single nucleotide variant.
Coding change: c.198C>A on transcript NM_000219.6 (MANE Select); coding-DNA position 198, C replaced by A.
Protein change: p.Ile66=; no amino-acid change (isoleucine 66 retained).
Molecular consequence: synonymous variant.
Genome position (GRCh38, 1-based): chr21:34,449,437, G>T on the plus strand (C>A on the coding strand, the complement: KCNE1 is on the minus strand). VCF-style: chr21-34449437-G-T. GRCh37 (hg19) VCF-style: chr21-35821735-G-T.
Other names: c.198C>A, p.Ile66= (NM_001127668.4, NM_001127669.4, NM_001127670.4 and 4 more transcripts).
Identifiers: ClinVar variation 3374309 (VCV003374309.2).
Genomic context (GRCh38, chr21:34,449,437, plus strand): 5'-GGCATCGGACTCGATGTAGACGTTGAATGGGTCGTTCGAGTGCTCCAGCTTCTTGGAGCG[G>T]ATGTAGCTCAGCATGATGCCCAGGGTGAAGAAGCCGAAGAATCCCAGTACCATGAGGACG-3'
Protein context (NP_000210.2, residues 56-76): FFTLGIMLSY[Ile66=]RSKKLEHSND

Conditions:
Long QT syndrome 5 (LQT5). Identifiers: Orphanet 101016, Orphanet 768, MedGen C1867904, MONDO:0013372, OMIM 613695.

Submission:

Roden Lab, Vanderbilt University Medical Center
No classification provided (evidence only). Condition: Long QT syndrome 5. Review status: no classification provided. Collection method: in vitro. Allele origin: not applicable. Functional consequence: Effect on ion channel function.
ClinVar note: "not provided" was previously submitted as the classification for the variant. However, the classification appeared to be based only on an observation of functional data so it was converted to no classification on 2025-07-30.